The following is an entry in ClinVar:

NM_001256317.3(TMPRSS3):c.1191+11G>A

Gene: TMPRSS3 (transmembrane serine protease 3; minus strand). Cytogenetic location: 21q22.3.
Variant type: single nucleotide variant.
Coding change: c.1191+11G>A on transcript NM_001256317.3 (MANE Select); 11 bases into the intron after coding-DNA position 1191, G replaced by A.
Molecular consequence: intron variant.
Genome position (GRCh38, 1-based): chr21:42,376,530, C>T on the plus strand (G>A on the coding strand, the complement: TMPRSS3 is on the minus strand). VCF-style: chr21-42376530-C-T. GRCh37 (hg19) VCF-style: chr21-43796639-C-T.
Other names: c.1194+11G>A (NM_024022.4); c.813+11G>A (NM_032404.3).
Identifiers: ClinVar variation 180040 (VCV000180040.8), dbSNP rs727505305, ClinGen allele CA185692.

ClinVar aggregate classification (germline): Likely benign. Review status: criteria provided, multiple submitters, no conflicts (2 of 4 stars). 2 submissions from 2 submitters: Likely benign (2). Last evaluated 2024-03-14.

Allele frequency attached by ClinVar (database versions not stated): gnomAD 0.00003; TOPMed 0.00003; ExAC 0.00006; gnomAD exomes 0.00006.
gnomAD v4.1: 62 of 1,612,664 alleles (0.0038%); highest among the groups gnomAD compares: South Asian, 0.0077%; no homozygotes.

Submissions (2):

Labcorp Genetics (formerly Invitae), Labcorp
Classification: Likely benign. Last evaluated: 2024-03-14. Review status: criteria provided, single submitter. Criteria: Invitae Variant Classification Sherloc (09022015). Collection method: clinical testing. Allele origin: germline.

Laboratory for Molecular Medicine, Mass General Brigham Personalized Medicine
Classification: Likely benign. Last evaluated: 2014-10-09. Review status: criteria provided, single submitter. Criteria: LMM Criteria. Collection method: clinical testing. Allele origin: germline. Observed: 1 variant allele.
Comment: c.1194+11G>A in intron 11 of TMPRSS3: This variant is not expected to have clini cal significance because it is not located within the splice consensus sequence.